The following is an entry in ClinVar:

ClinVar aggregate classification (germline): Pathogenic. Review status: reviewed by expert panel (3 of 4 stars). 5 submissions from 5 submitters: Pathogenic (1). 4 of the submissions do not count toward it. Last evaluated 2016-10-18.

Conditions:
Hereditary cancer-predisposing syndrome. Also called: Hereditary Cancer Syndrome; Neoplastic Syndromes, Hereditary; Hereditary neoplastic syndrome; Tumor predisposition. Identifiers: Orphanet 140162, MedGen C0027672, MeSH D009386, MONDO:0015356.
Breast-ovarian cancer, familial, susceptibility to, 1 (BROVCA1). Also called: BRCA1 Hereditary Breast and Ovarian Cancer; OVARIAN CANCER, SUSCEPTIBILITY TO. Identifiers: Orphanet 145, MedGen C2676676, MONDO:0011450, OMIM 604370. Disease mechanism: loss of function.
Fanconi anemia, complementation group S (FANCS). Identifiers: MedGen C4554406, MONDO:0054748, OMIM 617883.
Familial cancer of breast. Also called: BREAST CANCER, FAMILIAL; hereditary breast carcinoma; Hereditary breast cancer. Identifiers: Orphanet 227535, MedGen C0346153, MONDO:0016419, OMIM 114480. Disease mechanism: loss of function.
Pancreatic cancer, susceptibility to, 4. Identifiers: Orphanet 1333, MedGen C3280442, MONDO:0013685, OMIM 614320.
Hereditary breast ovarian cancer syndrome. Also called: Hereditary breast and ovarian cancer syndrome (HBOC); Breast and ovarian cancer; Hereditary breast and ovarian cancer syndrome; Hereditary breast and ovarian cancer; BRCA1- and BRCA2-Associated Hereditary Breast and Ovarian Cancer; Hereditary breast and/or ovarian cancer syndrome. Identifiers: Orphanet 145, MedGen C0677776, MeSH D061325, MONDO:0003582. Disease mechanism: loss of function.

Allele frequency attached by ClinVar (database versions not stated): TOPMed below 0.00001.

Submissions (5):

Evidence-based Network for the Interpretation of Germline Mutant Alleles (ENIGMA)
Classification: Pathogenic for Breast-ovarian cancer, familial, susceptibility to, 1. Last evaluated: 2016-10-18. Review status: reviewed by expert panel. Criteria: ENIGMA BRCA1/2 Classification Criteria (2015). Collection method: curation. Allele origin: germline.
Comment: Variant allele predicted to encode a truncated non-functional protein.

Ambry Genetics
Classification: Pathogenic for Hereditary cancer-predisposing syndrome. Last evaluated: 2026-04-07. Review status: criteria provided, single submitter. Criteria: Ambry Variant Classification Scheme 2023. Collection method: clinical testing. Allele origin: germline. Not counted in ClinVar's aggregate classification.
Comment: The p.K309* pathogenic mutation (also known as c.925A>T), located in coding exon 9 of the BRCA1 gene, results from an A to T substitution at nucleotide position 925. This changes the amino acid from a lysine to a stop codon within coding exon 9. This variant is considered to be rare based on population cohorts in the Genome Aggregation Database (gnomAD). This alteration is expected to result in loss of function by premature protein truncation or nonsense-mediated mRNA decay. As such, this alteration is interpreted as a disease-causing mutation.

Labcorp Genetics (formerly Invitae), Labcorp
Classification: Pathogenic for Hereditary breast ovarian cancer syndrome. Last evaluated: 2024-09-12. Review status: criteria provided, single submitter. Criteria: Invitae Variant Classification Sherloc (09022015). Collection method: clinical testing. Allele origin: germline. Not counted in ClinVar's aggregate classification.
Comment: This sequence change creates a premature translational stop signal (p.Lys309*) in the BRCA1 gene. It is expected to result in an absent or disrupted protein product. Loss-of-function variants in BRCA1 are known to be pathogenic (PMID: 20104584). This variant is not present in population databases (gnomAD no frequency). This premature translational stop signal has been observed in individual(s) with personal and/or family history of breast and/or ovarian cancer (PMID: 22762150, 29446198). ClinVar contains an entry for this variant (Variation ID: 266592). For these reasons, this variant has been classified as Pathogenic.

Fulgent Genetics
Classification: Pathogenic for Familial cancer of breast; Breast-ovarian cancer, familial, susceptibility to, 1; Pancreatic cancer, susceptibility to, 4; Fanconi anemia, complementation group S. Last evaluated: 2018-10-31. Review status: criteria provided, single submitter. Criteria: ACMG Guidelines, 2015. Collection method: clinical testing. Allele origin: unknown. Not counted in ClinVar's aggregate classification.

Consortium of Investigators of Modifiers of BRCA1/2 (CIMBA), c/o University of Cambridge
Classification: Pathogenic for Breast-ovarian cancer, familial, susceptibility to, 1. Last evaluated: 2015-10-02. Review status: criteria provided, single submitter. Criteria: CIMBA Mutation Classification guidelines May 2016. Collection method: clinical testing. Allele origin: germline. Not counted in ClinVar's aggregate classification.

Literature cited by the submitters: PubMed 22762150 (cited by Ambry Genetics and Labcorp Genetics (formerly Invitae), Labcorp); PubMed 20104584 (cited by Labcorp Genetics (formerly Invitae), Labcorp); PubMed 29446198 (cited by Labcorp Genetics (formerly Invitae), Labcorp).

NM_007294.4(BRCA1):c.925A>T (p.Lys309Ter)

Gene: BRCA1 (BRCA1 DNA repair associated; minus strand). Cytogenetic location: 17q21.31.
Variant type: single nucleotide variant.
Coding change: c.925A>T on transcript NM_007294.4 (MANE Select); coding-DNA position 925, A replaced by T.
Protein change: p.Lys309Ter; replaces lysine 309 with a stop codon.
Molecular consequence: nonsense. On other transcripts: intron variant (137).
Genome position (GRCh38, 1-based): chr17:43,094,606, T>A on the plus strand (A>T on the coding strand, the complement: BRCA1 is on the minus strand). VCF-style: chr17-43094606-T-A. GRCh37 (hg19) VCF-style: chr17-41246623-T-A.
Other names: 1044A>T-Lys309ter; c.787+138A>T (NM_001407969.1, NM_001407968.1, NM_001407973.1 and 19 more transcripts); c.577+138A>T (NM_001408492.1, NM_001408513.1, NM_001408489.1 and 9 more transcripts); c.643+138A>T (NM_001408468.1, NM_001408465.1, NM_001408463.1 and 3 more transcripts); c.523+138A>T (NM_001408501.1, NM_001408500.1, NM_001408497.1 and 3 more transcripts); c.646+138A>T (NM_001408455.1, NM_001408466.1, NM_001408452.1 and 11 more transcripts); c.520+138A>T (NM_001408503.1, NM_001408505.1, NM_001408504.1); c.404-3574A>T (NM_001408511.1); and 41 more; short protein forms K309*, K262*, K13*, K261*, K267*, K282*, K306*, K220*.
Identifiers: ClinVar variation 266592 (VCV000266592.16), dbSNP rs879255498, ClinGen allele CA10589980.